The following is an entry in ClinVar:

ClinVar aggregate classification (germline): Uncertain significance (1 of 4 stars; one submission).

Conditions:
Primary ciliary dyskinesia 28. Also called: CILIARY DYSKINESIA, PRIMARY, 28, WITH OR WITHOUT SITUS INVERSUS. Identifiers: Orphanet 244, MedGen C3809706, MONDO:0014216, OMIM 615505.

Allele frequency attached by ClinVar (database versions not stated): gnomAD 0.00004 and 0.00005; gnomAD exomes 0.00005 and 0.00009; TOPMed 0.00005; ExAC 0.00006.
gnomAD v4.1: 79 of 1,613,946 alleles (0.0049%); highest among the groups gnomAD compares: Non-Finnish European, 0.0031%; no homozygotes.

Submission:

Labcorp Genetics (formerly Invitae), Labcorp
Classification: Uncertain significance for Primary ciliary dyskinesia 28. Last evaluated: 2024-12-02. Review status: criteria provided, single submitter. Criteria: Invitae Variant Classification Sherloc (09022015). Collection method: clinical testing. Allele origin: germline.
Comment: This sequence change replaces proline, which is neutral and non-polar, with serine, which is neutral and polar, at codon 803 of the SPAG1 protein (p.Pro803Ser). This variant is present in population databases (rs753601332, gnomAD 0.1%). This variant has not been reported in the literature in individuals affected with SPAG1-related conditions. ClinVar contains an entry for this variant (Variation ID: 849424). Invitae Evidence Modeling of protein sequence and biophysical properties (such as structural, functional, and spatial information, amino acid conservation, physicochemical variation, residue mobility, and thermodynamic stability) indicates that this missense variant is expected to disrupt SPAG1 protein function with a positive predictive value of 80%. In summary, the available evidence is currently insufficient to determine the role of this variant in disease. Therefore, it has been classified as a Variant of Uncertain Significance.

NM_003114.5(SPAG1):c.2407C>T (p.Pro803Ser)

Gene: SPAG1 (sperm associated antigen 1; plus strand). Cytogenetic location: 8q22.2.
Variant type: single nucleotide variant.
Coding change: c.2407C>T on transcript NM_003114.5 (MANE Select); coding-DNA position 2407, C replaced by T.
Protein change: p.Pro803Ser; replaces proline 803 with serine.
Molecular consequence: missense variant.
Genome position (GRCh38, 1-based): chr8:100,240,529, C>T. VCF-style: chr8-100240529-C-T. GRCh37 (hg19) VCF-style: chr8-101252757-C-T.
Other names: c.2407C>T, p.Pro803Ser (NM_001374321.1, NM_172218.3); short protein forms P803S.
Identifiers: ClinVar variation 849424 (VCV000849424.8), dbSNP rs753601332, ClinGen allele CA4827748.
Genomic context (GRCh38, chr8:100,240,529, plus strand): 5'-GAGAAGGGAGGCAAAAGCAGCAGGTCACCAGAAGACCCTGAGAAACTTCCGATAGCCAAG[C>T]CTAATAATGCCTATGAATTTGGTCAGATTATAAATGCTCTCAGTACCAGGAAGGATAAAG-3'
Protein context (NP_003105.2, residues 793-813): EDPEKLPIAK[Pro803Ser]NNAYEFGQII